The following is an entry in ClinVar:

NM_170606.3(KMT2C):c.2941_2949del (p.Gly981_Cys983del)

Gene: KMT2C (lysine methyltransferase 2C; minus strand). Cytogenetic location: 7q36.1.
Variant type: Deletion.
Coding change: c.2941_2949del on transcript NM_170606.3 (MANE Select); coding-DNA positions 2941 to 2949, 9 bases deleted (GGTCAGTGT; older notation c.2941_2949delGGTCAGTGT).
Protein change: p.Gly981_Cys983del.
Molecular consequence: inframe deletion.
Genome position (GRCh38, 1-based): chr7:152,229,950-152,229,958, ACACTGACC deleted on the plus strand (GGTCAGTGT on the coding strand, the reverse complement: KMT2C is on the minus strand); deleting any 9 consecutive bases within chr7:152,229,950-152,229,965 gives the same sequence; the c. name uses the placement nearest the transcript's 3' end. VCF-style (leftmost placement, unchanged base first): chr7-152229949-AACACTGACC-A. GRCh37 (hg19) VCF-style: chr7-151927034-AACACTGACC-A.
Identifiers: ClinVar variation 4528937 (VCV004528937.1).

ClinVar aggregate classification (germline): Likely pathogenic (1 of 4 stars; one submission).

Conditions:
Kleefstra syndrome 2 (KLEFS2). Identifiers: MedGen C4540395, MONDO:0054701, OMIM 617768.

Submission:

Institute of Human Genetics, FAU Erlangen, Friedrich-Alexander-Universität Erlangen-Nürnberg
Classification: Likely pathogenic for Kleefstra syndrome 2. Last evaluated: 2025-11-18. Review status: criteria provided, single submitter. Criteria: Hauer et al. (Genet Med. 2018). Collection method: clinical testing. Allele origin: germline. Inheritance: Autosomal dominant inheritance. Affected: yes. Observed: 1 variant allele.
Comment: This variant has been identified by standard clinical testing.